The following is an entry in ClinVar:

ClinVar aggregate classification (germline): Uncertain significance (1 of 4 stars; one submission).

Submission:

GeneDx
Classification: Uncertain significance. Last evaluated: 2024-08-08. Review status: criteria provided, single submitter. Criteria: GeneDx Variant Classification Process June 2021. Collection method: clinical testing. Allele origin: germline. Affected: yes.
Comment: Not observed at significant frequency in large population cohorts (gnomAD); In silico analysis supports that this missense variant has a deleterious effect on protein structure/function; Has not been previously published as pathogenic or benign to our knowledge; This variant is associated with the following publications: (PMID: 25512093, 25609763, 26100331)

NM_001376.5(DYNC1H1):c.8102T>A (p.Val2701Glu)

Gene: DYNC1H1 (dynein cytoplasmic 1 heavy chain 1; plus strand). Cytogenetic location: 14q32.31.
Variant type: single nucleotide variant.
Coding change: c.8102T>A on transcript NM_001376.5 (MANE Select); coding-DNA position 8102, T replaced by A.
Protein change: p.Val2701Glu; replaces valine 2701 with glutamic acid.
Molecular consequence: missense variant.
Genome position (GRCh38, 1-based): chr14:102,017,429, T>A. VCF-style: chr14-102017429-T-A. GRCh37 (hg19) VCF-style: chr14-102483766-T-A.
Other names: short protein forms V2701E.
Identifiers: ClinVar variation 3602885 (VCV003602885.1).